The following is an entry in ClinVar:

NM_001042492.3(NF1):c.928C>T (p.His310Tyr)

Gene: NF1 (neurofibromin 1; plus strand). Cytogenetic location: 17q11.2.
Variant type: single nucleotide variant.
Coding change: c.928C>T on transcript NM_001042492.3 (MANE Select); coding-DNA position 928, C replaced by T.
Protein change: p.His310Tyr; replaces histidine 310 with tyrosine.
Molecular consequence: missense variant.
Genome position (GRCh38, 1-based): chr17:31,200,461, C>T. VCF-style: chr17-31200461-C-T. GRCh37 (hg19) VCF-style: chr17-29527479-C-T.
Other names: c.928C>T, p.His310Tyr (NM_000267.4, NM_001128147.3); short protein forms H310Y.
Identifiers: ClinVar variation 823142 (VCV000823142.14), dbSNP rs1597680837, ClinGen allele CA398995656.

ClinVar aggregate classification (germline): Uncertain significance. Review status: criteria provided, multiple submitters, no conflicts (2 of 4 stars). 5 submissions from 5 submitters: Uncertain significance (5). Last evaluated 2025-02-12.

Conditions:
Hereditary cancer-predisposing syndrome. Also called: Hereditary Cancer Syndrome; Neoplastic Syndromes, Hereditary; Hereditary neoplastic syndrome; Tumor predisposition. Identifiers: Orphanet 140162, MedGen C0027672, MeSH D009386, MONDO:0015356.
Cardiovascular phenotype. Identifiers: MedGen CN230736.
Neurofibromatosis, type 1 (NF1). Also called: Peripheral type neurofibromatosis; Neurofibromatosis, type I; NEUROFIBROMATOSIS, TYPE I, SOMATIC; VON RECKLINGHAUSEN DISEASE. Identifiers: Orphanet 636, MedGen C0027831, MONDO:0018975, OMIM 162200. Disease mechanism: loss of function.
Juvenile myelomonocytic leukemia (JMML). Also called: LEUKEMIA, JUVENILE MYELOMONOCYTIC, SOMATIC. Identifiers: Orphanet 86834, MedGen C0349639, MONDO:0011908, OMIM 607785, HP:0012209.

Submissions (5):

GeneDx
Classification: Uncertain significance. Last evaluated: 2025-02-12. Review status: criteria provided, single submitter. Criteria: GeneDx Variant Classification Process June 2021. Collection method: clinical testing. Allele origin: germline. Affected: yes.
Comment: Not observed at significant frequency in large population cohorts (gnomAD); In silico analysis supports that this missense variant has a deleterious effect on protein structure/function; Has not been previously published as pathogenic or benign to our knowledge

Baylor Genetics
Classification: Uncertain significance for Juvenile myelomonocytic leukemia. Last evaluated: 2023-12-26. Review status: criteria provided, single submitter. Criteria: ACMG Guidelines, 2015. Collection method: clinical testing. Allele origin: unknown.

Labcorp Genetics (formerly Invitae), Labcorp
Classification: Uncertain significance for Neurofibromatosis, type 1. Last evaluated: 2023-06-23. Review status: criteria provided, single submitter. Criteria: Invitae Variant Classification Sherloc (09022015). Collection method: clinical testing. Allele origin: germline.
Comment: This variant is not present in population databases (gnomAD no frequency). This sequence change replaces histidine, which is basic and polar, with tyrosine, which is neutral and polar, at codon 310 of the NF1 protein (p.His310Tyr). This variant has not been reported in the literature in individuals affected with NF1-related conditions. ClinVar contains an entry for this variant (Variation ID: 823142). Advanced modeling of protein sequence and biophysical properties (such as structural, functional, and spatial information, amino acid conservation, physicochemical variation, residue mobility, and thermodynamic stability) performed at Invitae indicates that this missense variant is expected to disrupt NF1 protein function. In summary, the available evidence is currently insufficient to determine the role of this variant in disease. Therefore, it has been classified as a Variant of Uncertain Significance.

Genome-Nilou Lab
Classification: Uncertain significance for Neurofibromatosis, type 1. Last evaluated: 2022-03-15. Review status: criteria provided, single submitter. Criteria: ACMG Guidelines, 2015. Collection method: clinical testing. Allele origin: germline. Affected: no.

Ambry Genetics
Classification: Uncertain significance for Cardiovascular phenotype; Hereditary cancer-predisposing syndrome. Last evaluated: 2018-03-21. Review status: criteria provided, single submitter. Criteria: Ambry Variant Classification Scheme 2023. Collection method: clinical testing. Allele origin: germline.